The following is an entry in ClinVar:

ClinVar aggregate classification (germline): Uncertain significance (1 of 4 stars; one submission).

Conditions:
FREM1-related disorder. Also called: FREM1-related condition; FREM1-Related Disorders.

Allele frequency attached by ClinVar (database versions not stated): gnomAD exomes below 0.00001; ExAC 0.00001.
gnomAD v4.1: 4 of 1,613,904 alleles (0.00025%); highest among the groups gnomAD compares: Non-Finnish European, 0.00034%; no homozygotes.

Submission:

PreventionGenetics, part of Exact Sciences
Classification: Uncertain significance for FREM1-related condition. Last evaluated: 2023-03-03. Review status: criteria provided, single submitter. Criteria: ACMG Guidelines, 2015. Collection method: clinical testing. Allele origin: germline.
Comment: The FREM1 c.4343C>G variant is predicted to result in the amino acid substitution p.Pro1448Arg. To our knowledge, this variant has not been reported in the literature. This variant is reported in 0.00089% of alleles in individuals of European (Non-Finnish) descent in gnomAD. At this time, the clinical significance of this variant is uncertain due to the absence of conclusive functional and genetic evidence.

NM_001379081.2(FREM1):c.4343C>G (p.Pro1448Arg)

Gene: FREM1 (FRAS1 related extracellular matrix 1; minus strand). Cytogenetic location: 9p22.3.
Variant type: single nucleotide variant.
Coding change: c.4343C>G on transcript NM_001379081.2 (MANE Select); coding-DNA position 4343, C replaced by G.
Protein change: p.Pro1448Arg; replaces proline 1448 with arginine.
Molecular consequence: missense variant. On other transcripts: non-coding transcript variant (1).
Genome position (GRCh38, 1-based): chr9:14,784,469, G>C on the plus strand (C>G on the coding strand, the complement: FREM1 is on the minus strand). VCF-style: chr9-14784469-G-C. GRCh37 (hg19) VCF-style: chr9-14784467-G-C.
Other names: c.4343C>G, p.Pro1448Arg (NM_144966.7); short protein forms P1448R.
Identifiers: ClinVar variation 2632121 (VCV002632121.1), dbSNP rs748793500, ClinGen allele CA4990216.
Genomic context (GRCh38, chr9:14,784,469, plus strand): 5'-ACATAGCAAACTGTCTGCCCCACTACATCCATTTGGCTGAAGTTTGTAATGGGAACTCCA[G>C]GATAGTGAACATATTCGATCTGGCCATATCGCGGAGGGGAGGTGATGACATAGAGCAGTT-3'
Protein context (NP_001366010.1, residues 1438-1458): RYGQIEYVHY[Pro1448Arg]GVPITNFSQM